The following is an entry in ClinVar:

ClinVar aggregate classification (germline): Uncertain significance. Review status: criteria provided, multiple submitters, no conflicts (2 of 4 stars). 3 submissions from 3 submitters: Uncertain significance (3). Last evaluated 2025-07-15.

Conditions:
Inborn genetic diseases. Identifiers: MedGen C0950123, MeSH D030342.
ADAMTSL4-related disorder. Also called: ADAMTSL4-related condition; ADAMTSL4-Related Disorders.

Allele frequency attached by ClinVar (database versions not stated): TOPMed below 0.00001; gnomAD 0.00001.
gnomAD v4.1: 8 of 1,611,154 alleles (0.0005%); highest among the groups gnomAD compares: Non-Finnish European, 0.00068%; no homozygotes.

Submissions (3):

Ambry Genetics
Classification: Uncertain significance for Inborn genetic diseases. Last evaluated: 2025-07-15. Review status: criteria provided, single submitter. Criteria: Ambry Variant Classification Scheme 2023. Collection method: clinical testing. Allele origin: germline.

PreventionGenetics, part of Exact Sciences
Classification: Uncertain significance for ADAMTSL4-related condition. Last evaluated: 2025-02-13. Review status: criteria provided, single submitter. Criteria: ACMG Guidelines, 2015. Collection method: clinical testing. Allele origin: germline.
Comment: The ADAMTSL4 c.2218G>A variant is predicted to result in the amino acid substitution p.Gly740Ser. To our knowledge, this variant has not been reported in the literature. This variant is reported in 0.00092% of alleles in individuals of European (Non-Finnish) descent in gnomAD. At this time, the clinical significance of this variant is uncertain due to the absence of conclusive functional and genetic evidence.

Labcorp Genetics (formerly Invitae), Labcorp
Classification: Uncertain significance. Last evaluated: 2023-12-11. Review status: criteria provided, single submitter. Criteria: Invitae Variant Classification Sherloc (09022015). Collection method: clinical testing. Allele origin: germline.
Comment: This sequence change replaces glycine, which is neutral and non-polar, with serine, which is neutral and polar, at codon 740 of the ADAMTSL4 protein (p.Gly740Ser). This variant is present in population databases (no rsID available, gnomAD 0.0009%). This variant has not been reported in the literature in individuals affected with ADAMTSL4-related conditions. ClinVar contains an entry for this variant (Variation ID: 1908621). Advanced modeling of protein sequence and biophysical properties (such as structural, functional, and spatial information, amino acid conservation, physicochemical variation, residue mobility, and thermodynamic stability) has been performed at Invitae for this missense variant, however the output from this modeling did not meet the statistical confidence thresholds required to predict the impact of this variant on ADAMTSL4 protein function. In summary, the available evidence is currently insufficient to determine the role of this variant in disease. Therefore, it has been classified as a Variant of Uncertain Significance.

NM_019032.6(ADAMTSL4):c.2218G>A (p.Gly740Ser)

Gene: ADAMTSL4 (ADAMTS like 4; plus strand). Cytogenetic location: 1q21.2.
Variant type: single nucleotide variant.
Coding change: c.2218G>A on transcript NM_019032.6 (MANE Select); coding-DNA position 2218, G replaced by A.
Protein change: p.Gly740Ser; replaces glycine 740 with serine.
Molecular consequence: missense variant.
Genome position (GRCh38, 1-based): chr1:150,557,985, G>A. VCF-style: chr1-150557985-G-A. GRCh37 (hg19) VCF-style: chr1-150530461-G-A.
Other names: c.2101G>A, p.Gly701Ser (NM_001288607.2); c.2287G>A, p.Gly763Ser (NM_001288608.2); c.2218G>A, p.Gly740Ser (NM_001378596.1, NM_025008.5); c.2218G>A (NM_019032.5, NM_019032.4); short protein forms G763S, G740S, G701S.
Identifiers: ClinVar variation 1908621 (VCV001908621.5), dbSNP rs1202866702, ClinGen allele CA342314674.